The following is an entry in ClinVar:

ClinVar aggregate classification (germline): Uncertain significance (1 of 4 stars; one submission).

Conditions:
Infantile-onset ascending hereditary spastic paralysis (IAHSP). Also called: Infantile-Onset Ascending Hereditary Spastic Paralysis (IAHSP); Autosomal Recessive Juvenile Amyotrophic Lateral Sclerosis. Identifiers: Orphanet 293168, MedGen C2931441, MONDO:0011797, OMIM 607225. Disease mechanism: loss of function.

Allele frequency attached by ClinVar (database versions not stated): gnomAD exomes below 0.00001.
gnomAD v4.1: 1 of 1,613,784 alleles (0.000062%); highest among the groups gnomAD compares: Non-Finnish European, 0.000085%; no homozygotes.

Submission:

Labcorp Genetics (formerly Invitae), Labcorp
Classification: Uncertain significance for Infantile-onset ascending hereditary spastic paralysis. Last evaluated: 2022-03-17. Review status: criteria provided, single submitter. Criteria: Invitae Variant Classification Sherloc (09022015). Collection method: clinical testing. Allele origin: germline.
Comment: This variant has not been reported in the literature in individuals affected with ALS2-related conditions. This variant is not present in population databases (gnomAD no frequency). Algorithms developed to predict the effect of missense changes on protein structure and function are either unavailable or do not agree on the potential impact of this missense change (SIFT: "Deleterious"; PolyPhen-2: "Possibly Damaging"; Align-GVGD: "Class C0"). In summary, the available evidence is currently insufficient to determine the role of this variant in disease. Therefore, it has been classified as a Variant of Uncertain Significance. This sequence change replaces valine, which is neutral and non-polar, with methionine, which is neutral and non-polar, at codon 860 of the ALS2 protein (p.Val860Met).

NM_020919.4(ALS2):c.2578G>A (p.Val860Met)

Gene: ALS2 (alsin Rho guanine nucleotide exchange factor ALS2; minus strand). Cytogenetic location: 2q33.1.
Variant type: single nucleotide variant.
Coding change: c.2578G>A on transcript NM_020919.4 (MANE Select); coding-DNA position 2578, G replaced by A.
Protein change: p.Val860Met; replaces valine 860 with methionine.
Molecular consequence: missense variant.
Genome position (GRCh38, 1-based): chr2:201,733,278, C>T on the plus strand (G>A on the coding strand, the complement: ALS2 is on the minus strand). VCF-style: chr2-201733278-C-T. GRCh37 (hg19) VCF-style: chr2-202598001-C-T.
Other names: c.2578G>A, p.Val860Met (NM_001410975.1); short protein forms V860M.
Identifiers: ClinVar variation 2157246 (VCV002157246.4), dbSNP rs893521423, ClinGen allele CA63946886.